The following is an entry in ClinVar:

ClinVar aggregate classification (germline): Pathogenic/Likely pathogenic. Review status: criteria provided, multiple submitters, no conflicts (2 of 4 stars). 5 submissions from 5 submitters: Pathogenic (4); Likely pathogenic (1). Last evaluated 2025-10-02.

Conditions:
TPM2-related disorder. Also called: TPM2-related condition; TPM2-related disorders.
Arthrogryposis, distal, type 1A. Also called: ARTHROGRYPOSIS MULTIPLEX CONGENITA, DISTAL, TYPE I. Identifiers: Orphanet 1146, MedGen C6022280, MONDO:0007157, OMIM 108120.
TPM2-related cap myopathy. Identifiers: MedGen C2750413.

Submissions (5):

Labcorp Genetics (formerly Invitae), Labcorp
Classification: Pathogenic for Digitotalar dysmorphism. Last evaluated: 2025-10-02. Review status: criteria provided, single submitter. Criteria: Invitae Variant Classification Sherloc (09022015). Collection method: clinical testing. Allele origin: germline.
Comment: This sequence change replaces alanine, which is neutral and non-polar, with threonine, which is neutral and polar, at codon 155 of the TPM2 protein (p.Ala155Thr). This variant is not present in population databases (gnomAD no frequency). This missense change has been observed in individuals with distal arthrogryposis (PMID: 31966463, 33060286, 35052370, 35579956). It has also been observed to segregate with disease in related individuals. ClinVar contains an entry for this variant (Variation ID: 569587). Invitae Evidence Modeling of protein sequence and biophysical properties (such as structural, functional, and spatial information, amino acid conservation, physicochemical variation, residue mobility, and thermodynamic stability) has been performed for this missense variant. However, the output from this modeling did not meet the statistical confidence thresholds required to predict the impact of this variant on TPM2 protein function. Experimental studies have shown that this missense change affects TPM2 function (PMID: 35579956). For these reasons, this variant has been classified as Pathogenic.

Blueprint Genetics
Classification: Pathogenic for TPM2-related disorders. Last evaluated: 2024-05-23. Review status: criteria provided, single submitter. Criteria: ACMG Guidelines, 2015. Collection method: clinical testing. Allele origin: germline. Affected: yes. Observed: 1 variant allele.

GeneDx
Classification: Pathogenic. Last evaluated: 2023-09-19. Review status: criteria provided, single submitter. Criteria: GeneDx Variant Classification Process June 2021. Collection method: clinical testing. Allele origin: germline.
Comment: Missense variants in this gene are often considered pathogenic (HGMD); Not observed at significant frequency in large population cohorts (gnomAD); In silico analysis supports that this missense variant has a deleterious effect on protein structure/function; This variant is associated with the following publications: (PMID: 30544720, 29792862, 28939420, 31155291, 32087052, 22832343, McAdow2021[article-not certified by peer review], 33060286, 35579956, 23413262, Neissi2022[CaseReport], 31966463, 35052370, 36307859, 33820833)

Institute of Human Genetics, University of Leipzig Medical Center
Classification: Pathogenic for Arthrogryposis, distal, type 1A. Last evaluated: 2023-07-25. Review status: criteria provided, single submitter. Criteria: ACMG Guidelines, 2015. Collection method: clinical testing. Allele origin: de novo. Inheritance: Autosomal dominant inheritance. Affected: yes.
Comment: Criteria applied: PS3,PS2,PS4_MOD,PM1,PM5,PM2_SUP

Dasa
Classification: Likely pathogenic for TPM2-related cap myopathy. Last evaluated: 2022-03-25. Review status: criteria provided, single submitter. Criteria: ACMG Guidelines, 2015. Collection method: clinical testing. Allele origin: germline. Affected: yes. Observed: 1 variant allele.
Comment: The c.463G>A;p.(Ala155Thr) missense change has been observed in affected individual(s) (PMID: 31966463)-PS4_moderate. This variant is not present in population databases (rs1563929039- gnomAD; ABraOM no frequency.) - PM2. Pathogenic missense variant in this residue have been reported (PMID: 22832343) - PM5. Multiple lines of computational evidence support a deleterious effect on the gene or gene product - PP3. In summary, the currently available evidence indicates that the variant is likely pathogenic

Literature cited by the submitters: PubMed 31966463 (cited by Labcorp Genetics (formerly Invitae), Labcorp and Dasa); PubMed 33060286 (cited by Labcorp Genetics (formerly Invitae), Labcorp); PubMed 35052370 (cited by Labcorp Genetics (formerly Invitae), Labcorp); PubMed 35579956 (cited by Labcorp Genetics (formerly Invitae), Labcorp); PubMed 22832343 (cited by Dasa).

NM_003289.4(TPM2):c.463G>A (p.Ala155Thr)

Gene: TPM2 (tropomyosin 2; minus strand). Cytogenetic location: 9p13.3.
Variant type: single nucleotide variant.
Coding change: c.463G>A on transcript NM_003289.4 (MANE Select); coding-DNA position 463, G replaced by A.
Protein change: p.Ala155Thr; replaces alanine 155 with threonine.
Molecular consequence: missense variant.
Genome position (GRCh38, 1-based): chr9:35,685,463, C>T on the plus strand (G>A on the coding strand, the complement: TPM2 is on the minus strand). VCF-style: chr9-35685463-C-T. GRCh37 (hg19) VCF-style: chr9-35685460-C-T.
Other names: c.463G>A, p.Ala155Thr (NM_213674.1, NM_001301226.2, NM_001301227.2); short protein forms A155T.
Identifiers: ClinVar variation 569587 (VCV000569587.16), dbSNP rs1563929039, ClinGen allele CA373367170.
Genomic context (GRCh38, chr9:35,685,463, plus strand): 5'-CAGCGAGCAGGCAGAGGGGCAAGGCTGTCACCTCTTCATATTTGCGGTCTGAATCCTCAG[C>T]GATGTGCTTGGCCTCCTTCAGCTGCATCTCCTGCAGTTCCATCTTCTCCTCATCCTTCAT-3'
Protein context (NP_003280.2, residues 145-165): EMQLKEAKHI[Ala155Thr]EDSDRKYEEV